The following is an entry in ClinVar:

NM_001701.4(BAAT):c.602G>A (p.Arg201His)

Gene: BAAT (bile acid-CoA:amino acid N-acyltransferase; minus strand). Cytogenetic location: 9q31.1.
Variant type: single nucleotide variant.
Coding change: c.602G>A on transcript NM_001701.4 (MANE Select); coding-DNA position 602, G replaced by A.
Protein change: p.Arg201His; replaces arginine 201 with histidine.
Molecular consequence: missense variant.
Genome position (GRCh38, 1-based): chr9:101,368,187, C>T on the plus strand (G>A on the coding strand, the complement: BAAT is on the minus strand). VCF-style: chr9-101368187-C-T. GRCh37 (hg19) VCF-style: chr9-104130469-C-T.
Other names: c.602G>A (NM_001701.3); c.602G>A, p.Arg201His (NM_001127610.2, NM_001374715.1); short protein forms R201H.
Identifiers: ClinVar variation 288463 (VCV000288463.9), dbSNP rs41281027, ClinGen allele CA5160676.

ClinVar aggregate classification (germline): Benign/Likely benign. Review status: criteria provided, multiple submitters, no conflicts (2 of 4 stars). 3 submissions from 3 submitters: Benign (1); Likely benign (1). 1 of the submissions does not count toward it. Last evaluated 2025-10-27.

Conditions:
BAAT-related disorder. Also called: BAAT-related condition.

Allele frequency attached by ClinVar (database versions not stated): 1000 Genomes Project 0.00180; 1000 Genomes Project 30x 0.00203.

Submissions (3):

Labcorp Genetics (formerly Invitae), Labcorp
Classification: Likely benign. Last evaluated: 2025-10-27. Review status: criteria provided, single submitter. Criteria: Invitae Variant Classification Sherloc (09022015). Collection method: clinical testing. Allele origin: germline.

Eurofins Ntd Llc (ga)
Classification: Benign. Last evaluated: 2016-06-01. Review status: criteria provided, single submitter. Criteria: EGL Classification Definitions 2015. Collection method: clinical testing. Allele origin: germline. Observed: 1 variant allele, 1 heterozygote.

PreventionGenetics, part of Exact Sciences
Classification: Likely benign for BAAT-related condition. Last evaluated: 2021-12-09. Review status: no assertion criteria provided. Collection method: clinical testing. Allele origin: germline. Not counted in ClinVar's aggregate classification.
Comment: This variant is classified as likely benign based on ACMG/AMP sequence variant interpretation guidelines (Richards et al. 2015 PMID: 25741868, with internal and published modifications).